The following is an entry in ClinVar:

ClinVar aggregate classification (germline): Uncertain significance. Review status: criteria provided, single submitter (1 of 4 stars). 2 submissions from 2 submitters: Uncertain significance (1). 1 of the submissions does not count toward it. Last evaluated 2026-02-02.

Conditions:
Familial dysautonomia. Also called: HSAN III; FD. Identifiers: Orphanet 1764, MedGen C0013364, MONDO:0009131, OMIM 223900. Disease mechanism: loss of function.

Allele frequency attached by ClinVar (database versions not stated): gnomAD exomes below 0.00001 and 0.00001; TOPMed below 0.00001; ExAC 0.00001; gnomAD 0.00001.
gnomAD v4.1: 22 of 1,614,008 alleles (0.0014%); highest among the groups gnomAD compares: Non-Finnish European, 0.0019%; no homozygotes.

Submissions (2):

Labcorp Genetics (formerly Invitae), Labcorp
Classification: Uncertain significance. Last evaluated: 2026-02-02. Review status: criteria provided, single submitter. Criteria: Invitae Variant Classification Sherloc (09022015). Collection method: clinical testing. Allele origin: germline.
Comment: This sequence change replaces isoleucine, which is neutral and non-polar, with methionine, which is neutral and non-polar, at codon 528 of the ELP1 protein (p.Ile528Met). This variant is present in population databases (rs745586570, gnomAD 0.002%). This variant has not been reported in the literature in individuals affected with ELP1-related conditions. ClinVar contains an entry for this variant (Variation ID: 998620). Invitae Evidence Modeling of protein sequence and biophysical properties (such as structural, functional, and spatial information, amino acid conservation, physicochemical variation, residue mobility, and thermodynamic stability) indicates that this missense variant is not expected to disrupt ELP1 protein function with a negative predictive value of 80%. In summary, the available evidence is currently insufficient to determine the role of this variant in disease. Therefore, it has been classified as a Variant of Uncertain Significance.

Natera, Inc.
Classification: Uncertain significance for Familial dysautonomia. Last evaluated: 2021-01-12. Review status: no assertion criteria provided. Collection method: clinical testing. Allele origin: germline. Not counted in ClinVar's aggregate classification.

NM_003640.5(ELP1):c.1584T>G (p.Ile528Met)

Gene: ELP1 (elongator acetyltransferase complex subunit 1; minus strand). Cytogenetic location: 9q31.3.
Variant type: single nucleotide variant.
Coding change: c.1584T>G on transcript NM_003640.5 (MANE Select); coding-DNA position 1584, T replaced by G.
Protein change: p.Ile528Met; replaces isoleucine 528 with methionine.
Molecular consequence: missense variant.
Genome position (GRCh38, 1-based): chr9:108,906,362, A>C on the plus strand (T>G on the coding strand, the complement: ELP1 is on the minus strand). VCF-style: chr9-108906362-A-C. GRCh37 (hg19) VCF-style: chr9-111668642-A-C.
Other names: c.1242T>G, p.Ile414Met (NM_001318360.2); c.537T>G, p.Ile179Met (NM_001330749.2); short protein forms I179M, I414M, I528M.
Identifiers: ClinVar variation 998620 (VCV000998620.8), dbSNP rs745586570, ClinGen allele CA5174973.